The following is an entry in ClinVar:

NM_001136213.1(POTEH):c.1062G>A (p.Ser354=)

Gene: POTEH (POTE ankyrin domain family member H; plus strand). Cytogenetic location: 22q11.1.
Variant type: single nucleotide variant.
Coding change: c.1062G>A on transcript NM_001136213.1 (MANE Select); coding-DNA position 1062, G replaced by A.
Protein change: p.Ser354=; no amino-acid change (serine 354 retained).
Molecular consequence: synonymous variant.
Genome position (GRCh38, 1-based): chr22:15,700,111, G>A. VCF-style: chr22-15700111-G-A. GRCh37 (hg19) VCF-style: chr22-16277852-C-T.
Identifiers: ClinVar variation 4280890 (VCV004280890.7).

ClinVar aggregate classification (germline): Likely benign (1 of 4 stars; one submission).

Submission:

CeGaT Center for Human Genetics Tuebingen
Classification: Likely benign. Last evaluated: 2026-09-01. Review status: criteria provided, single submitter. Criteria: CeGaT Center For Human Genetics Tuebingen Variant Classification Criteria Version 2. Collection method: clinical testing. Allele origin: germline. Affected: yes. Observed: 3 variant alleles.
Comment: POTEH: BP4, BP7